The following is an entry in ClinVar:

ClinVar aggregate classification (germline): Likely benign (1 of 4 stars; one submission).

Submission:

CeGaT Center for Human Genetics Tuebingen
Classification: Likely benign. Last evaluated: 2025-07-01. Review status: criteria provided, single submitter. Criteria: CeGaT Center For Human Genetics Tuebingen Variant Classification Criteria Version 2. Collection method: clinical testing. Allele origin: germline. Affected: yes. Observed: 2 variant alleles.
Comment: MUC5B: PM4, BS2

NM_002458.3(MUC5B):c.13674_13688dup (p.Val4564_Leu4565insHisThrSerThrVal)

Gene: MUC5B (mucin 5B, oligomeric mucus/gel-forming; plus strand). Cytogenetic location: 11p15.5.
Variant type: Duplication.
Coding change: c.13674_13688dup on transcript NM_002458.3 (MANE Select); coding-DNA positions 13674 to 13688, 15 bases duplicated (TGTCCACACCTCCAC).
Protein change: p.Val4564_Leu4565insHisThrSerThrVal.
Genome position (GRCh38, 1-based): chr11:1,250,554-1,250,568, TGTCCACACCTCCAC duplicated; duplicating any 15 consecutive bases within chr11:1,250,552-1,250,568 gives the same sequence; the c. name uses the placement nearest the transcript's 3' end. VCF-style (leftmost placement, unchanged base first): chr11-1250551-G-GACTGTCCACACCTCC. GRCh37 (hg19) VCF-style: chr11-1271781-G-GACTGTCCACACCTCC.
Identifiers: ClinVar variation 3778246 (VCV003778246.7).